The following is an entry in ClinVar:

ClinVar aggregate classification (germline): Uncertain significance (1 of 4 stars; one submission).

Conditions:
Mitochondrial complex II deficiency, nuclear type 1. Also called: SUCCINATE CoQ REDUCTASE DEFICIENCY. Identifiers: Orphanet 3208, MedGen C5700310, MONDO:0100294, OMIM 252011.
Pheochromocytoma/paraganglioma syndrome 5. Also called: Paragangliomas 5; SDHA-Related Hereditary Paraganglioma-Pheochromocytoma Syndrome. Identifiers: Orphanet 29072, MedGen C3279992, MONDO:0013602, OMIM 614165.

Submission:

Labcorp Genetics (formerly Invitae), Labcorp
Classification: Uncertain significance for Pheochromocytoma/paraganglioma syndrome 5; Mitochondrial complex II deficiency, nuclear type 1. Last evaluated: 2024-06-04. Review status: criteria provided, single submitter. Criteria: Invitae Variant Classification Sherloc (09022015). Collection method: clinical testing. Allele origin: germline.
Comment: This sequence change replaces cysteine, which is neutral and slightly polar, with arginine, which is basic and polar, at codon 574 of the SDHA protein (p.Cys574Arg). This variant is not present in population databases (gnomAD no frequency). This variant has not been reported in the literature in individuals affected with SDHA-related conditions. Advanced modeling of protein sequence and biophysical properties (such as structural, functional, and spatial information, amino acid conservation, physicochemical variation, residue mobility, and thermodynamic stability) has been performed at Invitae for this missense variant, however the output from this modeling did not meet the statistical confidence thresholds required to predict the impact of this variant on SDHA protein function. In summary, the available evidence is currently insufficient to determine the role of this variant in disease. Therefore, it has been classified as a Variant of Uncertain Significance.

NM_004168.4(SDHA):c.1720T>C (p.Cys574Arg)

Gene: SDHA (succinate dehydrogenase complex flavoprotein subunit A; plus strand). Cytogenetic location: 5p15.33.
Variant type: single nucleotide variant.
Coding change: c.1720T>C on transcript NM_004168.4 (MANE Select); coding-DNA position 1720, T replaced by C.
Protein change: p.Cys574Arg; replaces cysteine 574 with arginine.
Molecular consequence: missense variant. On other transcripts: intron variant (1).
Genome position (GRCh38, 1-based): chr5:251,394, T>C. VCF-style: chr5-251394-T-C. GRCh37 (hg19) VCF-style: chr5-251509-T-C.
Other names: c.1576T>C, p.Cys526Arg (NM_001294332.2); c.1552-2999T>C (NM_001330758.2); short protein forms C526R, C574R.
Identifiers: ClinVar variation 3764080 (VCV003764080.2).
Genomic context (GRCh38, chr5:251,394, plus strand): 5'-CCAGGAATGGTCTGGAACACGGACCTGGTGGAGACCCTGGAGCTGCAGAACCTGATGCTG[T>C]GTGCGCTGCAGACCATCTACGGAGCAGAGGCACGGAAGGAGTCACGGGGCGCGCATGCCA-3'
Protein context (NP_004159.2, residues 564-584): ETLELQNLML[Cys574Arg]ALQTIYGAEA